The following is an entry in ClinVar:

ClinVar aggregate classification (germline): Pathogenic/Likely pathogenic. Review status: criteria provided, multiple submitters, no conflicts (2 of 4 stars). 2 submissions from 2 submitters: Pathogenic (1); Likely pathogenic (1). Last evaluated 2023-11-20.

Conditions:
Arthrogryposis multiplex congenita 6. Identifiers: MedGen C5543431, MONDO:0030281, OMIM 619334.
Nemaline myopathy 2 (NEM2). Also called: Nemaline myopathy 2, autosomal recessive. Identifiers: MedGen C1850569, MONDO:0009725, OMIM 256030.

Submissions (2):

Labcorp Genetics (formerly Invitae), Labcorp
Classification: Pathogenic for Nemaline myopathy 2. Last evaluated: 2023-11-20. Review status: criteria provided, single submitter. Criteria: Invitae Variant Classification Sherloc (09022015). Collection method: clinical testing. Allele origin: germline.
Comment: This sequence change creates a premature translational stop signal (p.Gln8302Lysfs*13) in the NEB gene. It is expected to result in an absent or disrupted protein product. Loss-of-function variants in NEB are known to be pathogenic (PMID: 25205138). This variant is not present in population databases (gnomAD no frequency). This variant has not been reported in the literature in individuals affected with NEB-related conditions. For these reasons, this variant has been classified as Pathogenic.

Baylor Genetics
Classification: Likely pathogenic for Arthrogryposis multiplex congenita 6. Last evaluated: 2023-11-13. Review status: criteria provided, single submitter. Criteria: ACMG Guidelines, 2015. Collection method: clinical testing. Allele origin: unknown.

Literature cited by the submitters: PubMed 25205138 (cited by Labcorp Genetics (formerly Invitae), Labcorp).

NM_001164508.2(NEB):c.24798del (p.Gln8267fs)

Genes: NEB (nebulin; minus strand), RIF1 (replication timing regulatory factor 1; plus strand). Cytogenetic location: 2q23.3.
Variant type: Deletion.
Coding change: c.24798del on transcript NM_001164508.2 (MANE Select); coding-DNA position 24798, one base deleted (A; older notation c.24798delA).
Protein change: p.Gln8267fs; shifts the reading frame from glutamine 8267.
Molecular consequence: frameshift variant.
Genome position (GRCh38, 1-based): chr2:151,492,462, T deleted on the plus strand (A on the coding strand, the reverse complement: NEB is on the minus strand). VCF-style (leftmost placement, unchanged base first): chr2-151492461-GT-G. GRCh37 (hg19) VCF-style: chr2-152348975-GT-G.
Other names: c.24798del, p.Gln8267fs (NM_001164507.2); c.24903delA, p.Gln8302Lysfs (NM_001271208.1); c.24903del, p.Gln8302fs (NM_001271208.2); c.19230del, p.Gln6411fs (NM_004543.5); c.24903del (NM_001271208.1); short protein forms Q6411fs, Q8267fs, Q8302fs.
Identifiers: ClinVar variation 2697656 (VCV002697656.4), dbSNP rs2551710477, ClinGen allele CA2697551066.